The following is an entry in ClinVar:

NM_015141.4(GPD1L):c.387G>C (p.Glu129Asp)

Gene: GPD1L (glycerol-3-phosphate dehydrogenase 1 like; plus strand). Cytogenetic location: 3p22.3.
Variant type: single nucleotide variant.
Coding change: c.387G>C on transcript NM_015141.4 (MANE Select); coding-DNA position 387, G replaced by C.
Protein change: p.Glu129Asp; replaces glutamic acid 129 with aspartic acid.
Molecular consequence: missense variant.
Genome position (GRCh38, 1-based): chr3:32,140,248, G>C. VCF-style: chr3-32140248-G-C. GRCh37 (hg19) VCF-style: chr3-32181740-G-C.
Other names: c.387G>C (NM_015141.3); short protein forms E129D.
Identifiers: ClinVar variation 1408430 (VCV001408430.9), dbSNP rs1220054300, ClinGen allele CA351974575.
Genomic context (GRCh38, chr3:32,140,248, plus strand): 5'-TGGCGGTTTGTTCTCTCCTAACTTCTTGGCATCCTTGTAGGGCATAGACGAGGGCCCCGA[G>C]GGGCTGAAGCTCATTTCTGACATCATCCGTGAGAAGATGGGTATTGACATCAGTGTGCTG-3'
Protein context (NP_055956.1, residues 119-139): TLIKGIDEGP[Glu129Asp]GLKLISDIIR

ClinVar aggregate classification (germline): Uncertain significance. Review status: criteria provided, multiple submitters, no conflicts (2 of 4 stars). 2 submissions from 2 submitters: Uncertain significance (2). Last evaluated 2025-04-11.

Conditions:
Brugada syndrome. Also called: Sudden unexpected nocturnal death syndrome; Sudden Unexplained Death Syndrome; Sudden Unexplained Nocturnal Death Syndrome (SUNDS); Sudden unexplained nocturnal death syndrome. Identifiers: Orphanet 130, MedGen C1142166, MONDO:0015263.
Cardiovascular phenotype. Identifiers: MedGen CN230736.

Allele frequency attached by ClinVar (database versions not stated): gnomAD exomes below 0.00001.
gnomAD v4.1: 1 of 1,614,050 alleles (0.000062%); highest among the groups gnomAD compares: Admixed American, 0.0017%; no homozygotes.

Submissions (2):

Ambry Genetics
Classification: Uncertain significance for Cardiovascular phenotype. Last evaluated: 2025-04-11. Review status: criteria provided, single submitter. Criteria: Ambry Variant Classification Scheme 2023. Collection method: clinical testing. Allele origin: germline.

Labcorp Genetics (formerly Invitae), Labcorp
Classification: Uncertain significance for Brugada syndrome. Last evaluated: 2021-12-30. Review status: criteria provided, single submitter. Criteria: Invitae Variant Classification Sherloc (09022015). Collection method: clinical testing. Allele origin: germline.
Comment: In summary, the available evidence is currently insufficient to determine the role of this variant in disease. Therefore, it has been classified as a Variant of Uncertain Significance. Algorithms developed to predict the effect of missense changes on protein structure and function output the following: SIFT: "Tolerated"; PolyPhen-2: "Benign"; Align-GVGD: "Class C0". The aspartic acid amino acid residue is found in multiple mammalian species, which suggests that this missense change does not adversely affect protein function. This variant has not been reported in the literature in individuals affected with GPD1L-related conditions. This variant is present in population databases (no rsID available, gnomAD 0.003%). This sequence change replaces glutamic acid, which is acidic and polar, with aspartic acid, which is acidic and polar, at codon 129 of the GPD1L protein (p.Glu129Asp).